The following is an entry in ClinVar:

ClinVar aggregate classification (germline): Uncertain significance. Review status: criteria provided, multiple submitters, no conflicts (2 of 4 stars). 3 submissions from 3 submitters: Uncertain significance (3). Last evaluated 2025-10-26.

Conditions:
Inborn genetic diseases. Identifiers: MedGen C0950123, MeSH D030342.

gnomAD v4.1: 12 of 1,614,072 alleles (0.00074%); highest among the groups gnomAD compares: Admixed American, 0.0083%; no homozygotes.

Submissions (3):

Labcorp Genetics (formerly Invitae), Labcorp
Classification: Uncertain significance. Last evaluated: 2025-10-26. Review status: criteria provided, single submitter. Criteria: Invitae Variant Classification Sherloc (09022015). Collection method: clinical testing. Allele origin: germline.
Comment: This sequence change replaces glycine, which is neutral and non-polar, with aspartic acid, which is acidic and polar, at codon 2458 of the KMT2A protein (p.Gly2458Asp). This variant is present in population databases (no rsID available, gnomAD 0.003%). This variant has not been reported in the literature in individuals affected with KMT2A-related conditions. ClinVar contains an entry for this variant (Variation ID: 1207190). Invitae Evidence Modeling of protein sequence and biophysical properties (such as structural, functional, and spatial information, amino acid conservation, physicochemical variation, residue mobility, and thermodynamic stability) indicates that this missense variant is not expected to disrupt KMT2A protein function with a negative predictive value of 95%. In summary, the available evidence is currently insufficient to determine the role of this variant in disease. Therefore, it has been classified as a Variant of Uncertain Significance.

Ambry Genetics
Classification: Uncertain significance for Inborn genetic diseases. Last evaluated: 2024-02-13. Review status: criteria provided, single submitter. Criteria: Ambry Variant Classification Scheme 2023. Collection method: clinical testing. Allele origin: germline.

GeneDx
Classification: Uncertain significance. Last evaluated: 2021-01-15. Review status: criteria provided, single submitter. Criteria: GeneDx Variant Classification Process June 2021. Collection method: clinical testing. Allele origin: germline. Affected: yes.
Comment: In silico analysis, which includes protein predictors and evolutionary conservation, supports that this variant does not alter protein structure/function; Has not been previously published as pathogenic or benign to our knowledge

NM_001197104.2(KMT2A):c.7373G>A (p.Gly2458Asp)

Gene: KMT2A (lysine methyltransferase 2A; plus strand). Cytogenetic location: 11q23.3.
Variant type: single nucleotide variant.
Coding change: c.7373G>A on transcript NM_001197104.2 (MANE Select); coding-DNA position 7373, G replaced by A.
Protein change: p.Gly2458Asp; replaces glycine 2458 with aspartic acid.
Molecular consequence: missense variant.
Genome position (GRCh38, 1-based): chr11:118,503,265, G>A. VCF-style: chr11-118503265-G-A. GRCh37 (hg19) VCF-style: chr11-118373980-G-A.
Other names: c.7364G>A, p.Gly2455Asp (NM_005933.4); short protein forms G2455D, G2458D.
Identifiers: ClinVar variation 1207190 (VCV001207190.9), dbSNP rs1367628820, ClinGen allele CA382805297.